The following is an entry in ClinVar:

ClinVar aggregate classification (germline): Conflicting classifications of pathogenicity. Review status: criteria provided, conflicting classifications (1 of 4 stars). 2 submissions from 2 submitters: Uncertain significance (1); Likely benign (1). Last evaluated 2025-03-03.

Conditions:
Intellectual developmental disorder, autosomal recessive 37. Also called: Intellectual disability-hypotonia-spasticity-sleep disorder syndrome. Identifiers: Orphanet 356996, MedGen C3809672, MONDO:0014210, OMIM 615493.

Allele frequency attached by ClinVar (database versions not stated): ESP Exome Variant Server 0.00008; TOPMed 0.00011; gnomAD exomes 0.00014 and 0.00010; ExAC 0.00009; gnomAD 0.00009 and 0.00010.
gnomAD v4.1: 217 of 1,613,246 alleles (0.013%); highest among the groups gnomAD compares: Admixed American, 0.025%; no homozygotes.

Submissions (2):

Labcorp Genetics (formerly Invitae), Labcorp
Classification: Uncertain significance. Last evaluated: 2025-03-03. Review status: criteria provided, single submitter. Criteria: Invitae Variant Classification Sherloc (09022015). Collection method: clinical testing. Allele origin: germline.
Comment: This sequence change replaces leucine, which is neutral and non-polar, with methionine, which is neutral and non-polar, at codon 584 of the ANK3 protein (p.Leu584Met). This variant is present in population databases (rs367916566, gnomAD 0.02%). This variant has not been reported in the literature in individuals affected with ANK3-related conditions. ClinVar contains an entry for this variant (Variation ID: 999399). Invitae Evidence Modeling of protein sequence and biophysical properties (such as structural, functional, and spatial information, amino acid conservation, physicochemical variation, residue mobility, and thermodynamic stability) indicates that this missense variant is expected to disrupt ANK3 protein function with a positive predictive value of 80%. In summary, the available evidence is currently insufficient to determine the role of this variant in disease. Therefore, it has been classified as a Variant of Uncertain Significance.

3billion
Classification: Likely benign for Intellectual developmental disorder, autosomal recessive 37. Last evaluated: 2024-09-20. Review status: criteria provided, single submitter. Criteria: ACMG Guidelines, 2015. Collection method: clinical testing. Allele origin: germline. Affected: no.
Comment: The homozygous variant was found in patients diagnosed with another variant in a different gene, with no symptoms related to the gene containing the homozygous variant.

NM_020987.5(ANK3):c.1750C>A (p.Leu584Met)

Gene: ANK3 (ankyrin 3; minus strand). Cytogenetic location: 10q21.2.
Variant type: single nucleotide variant.
Coding change: c.1750C>A on transcript NM_020987.5 (MANE Select); coding-DNA position 1750, C replaced by A.
Protein change: p.Leu584Met; replaces leucine 584 with methionine.
Molecular consequence: missense variant.
Genome position (GRCh38, 1-based): chr10:60,196,565, G>T on the plus strand (C>A on the coding strand, the complement: ANK3 is on the minus strand). VCF-style: chr10-60196565-G-T. GRCh37 (hg19) VCF-style: chr10-61956323-G-T.
Other names: c.1732C>A, p.Leu578Met (NM_001204403.2); c.1699C>A, p.Leu567Met (NM_001204404.2); c.1750C>A, p.Leu584Met (NM_001320874.2); short protein forms L567M, L578M, L584M.
Identifiers: ClinVar variation 999399 (VCV000999399.7), dbSNP rs367916566, ClinGen allele CA5513042.